The following is an entry in ClinVar:

ClinVar aggregate classification (germline): Likely benign. Review status: criteria provided, single submitter (1 of 4 stars). 2 submissions from 2 submitters: Likely benign (1). 1 of the submissions does not count toward it. Last evaluated 2024-10-29.

Conditions:
COL27A1-related disorder. Also called: COL27A1-related condition.

Allele frequency attached by ClinVar (database versions not stated): ExAC 0.00002; gnomAD 0.00006 and 0.00007; TOPMed 0.00006; gnomAD exomes 0.00007 and 0.00011.
gnomAD v4.1: 162 of 1,613,926 alleles (0.01%); highest among the groups gnomAD compares: Non-Finnish European, 0.013%; no homozygotes.

Submissions (2):

Labcorp Genetics (formerly Invitae), Labcorp
Classification: Likely benign. Last evaluated: 2024-10-29. Review status: criteria provided, single submitter. Criteria: Invitae Variant Classification Sherloc (09022015). Collection method: clinical testing. Allele origin: germline.

PreventionGenetics, part of Exact Sciences
Classification: Likely benign for COL27A1-related condition. Last evaluated: 2019-03-27. Review status: no assertion criteria provided. Collection method: clinical testing. Allele origin: germline. Not counted in ClinVar's aggregate classification.
Comment: This variant is classified as likely benign based on ACMG/AMP sequence variant interpretation guidelines (Richards et al. 2015 PMID: 25741868, with internal and published modifications).

NM_032888.4(COL27A1):c.1620A>G (p.Glu540=)

Gene: COL27A1 (collagen type XXVII alpha 1 chain; plus strand). Cytogenetic location: 9q32.
Variant type: single nucleotide variant.
Coding change: c.1620A>G on transcript NM_032888.4 (MANE Select); coding-DNA position 1620, A replaced by G.
Protein change: p.Glu540=; no amino-acid change (glutamic acid 540 retained).
Molecular consequence: synonymous variant.
Genome position (GRCh38, 1-based): chr9:114,169,175, A>G. VCF-style: chr9-114169175-A-G. GRCh37 (hg19) VCF-style: chr9-116931455-A-G.
Identifiers: ClinVar variation 763589 (VCV000763589.12), dbSNP rs758895314, ClinGen allele CA5201430.
Genomic context (GRCh38, chr9:114,169,175, plus strand): 5'-ACCTGCCGTCCCCACTCCTGGCTCAGCTCCCACTGGAAGCAAGAAGCCCATTGGATCGGA[A>G]GCCTCAAAGAAAGCCGGACCCAAGAGCAGCCCCCGGAAGCCTGTCCCCCTCAGACCTGGG-3'
Protein context (NP_116277.2, residues 530-550): PTGSKKPIGS[Glu540=]ASKKAGPKSS